The following is an entry in ClinVar:

NM_001267550.2(TTN):c.71209G>A (p.Asp23737Asn)

Genes: TTN (titin; minus strand), TTN-AS1 (TTN antisense RNA 1; plus strand). Cytogenetic location: 2q31.2.
Variant type: single nucleotide variant.
Coding change: c.71209G>A on transcript NM_001267550.2 (MANE Select); coding-DNA position 71209, G replaced by A.
Protein change: p.Asp23737Asn; replaces aspartic acid 23737 with asparagine.
Molecular consequence: missense variant.
Genome position (GRCh38, 1-based): chr2:178,574,923, C>T on the plus strand (G>A on the coding strand, the complement: TTN is on the minus strand). VCF-style: chr2-178574923-C-T. GRCh37 (hg19) VCF-style: chr2-179439650-C-T.
Other names: c.66286G>A, p.Asp22096Asn (NM_001256850.1); c.44014G>A, p.Asp14672Asn (NM_003319.4); c.63505G>A, p.Asp21169Asn (NM_133378.4); c.44389G>A, p.Asp14797Asn (NM_133432.3); c.44590G>A, p.Asp14864Asn (NM_133437.4); short protein forms D23737N, D14797N, D21169N, D22096N, D14864N, D14672N.
Identifiers: ClinVar variation 1740338 (VCV001740338.2), dbSNP rs758836824, ClinGen allele CA1990663.

ClinVar aggregate classification (germline): Uncertain significance (1 of 4 stars; one submission).

Conditions:
Cardiovascular phenotype. Identifiers: MedGen CN230736.

Allele frequency attached by ClinVar (database versions not stated): gnomAD 0.00001; gnomAD exomes 0.00001; ExAC 0.00002.
gnomAD v4.1: 15 of 1,612,698 alleles (0.00093%); highest among the groups gnomAD compares: African/African-American, 0.0013%; no homozygotes.

Submission:

Ambry Genetics
Classification: Uncertain significance for Cardiovascular phenotype. Last evaluated: 2018-02-01. Review status: criteria provided, single submitter. Criteria: Ambry Variant Classification Scheme 2023. Collection method: clinical testing. Allele origin: germline.
Comment: The p.D14672N variant (also known as c.44014G>A), located in coding exon 153 of the TTN gene, results from a G to A substitution at nucleotide position 44014. The aspartic acid at codon 14672 is replaced by asparagine, an amino acid with highly similar properties. This amino acid position is well conserved in available vertebrate species. In addition, this alteration is predicted to be tolerated by in silico analysis. Since supporting evidence is limited at this time, the clinical significance of this alteration remains unclear.